The following is an entry in ClinVar:

ClinVar aggregate classification (germline): Pathogenic (1 of 4 stars; one submission).

Submission:

Labcorp Genetics (formerly Invitae), Labcorp
Classification: Pathogenic. Last evaluated: 2023-05-15. Review status: criteria provided, single submitter. Criteria: Invitae Variant Classification Sherloc (09022015). Collection method: clinical testing. Allele origin: germline.
Comment: For these reasons, this variant has been classified as Pathogenic. This variant has not been reported in the literature in individuals affected with DLL3-related conditions. This variant is not present in population databases (gnomAD no frequency). This sequence change creates a premature translational stop signal (p.Cys187Alafs*54) in the DLL3 gene. It is expected to result in an absent or disrupted protein product. Loss-of-function variants in DLL3 are known to be pathogenic (PMID: 12746394).

Literature cited by the submitters: PubMed 12746394.

NM_203486.3(DLL3):c.558del (p.Cys187fs)

Genes: DLL3 (delta like canonical Notch ligand 3; plus strand), LOC130064417 (ATAC-STARR-seq lymphoblastoid silent region 10608; plus strand). Cytogenetic location: 19q13.2.
Variant type: Deletion.
Coding change: c.558del on transcript NM_203486.3 (MANE Select); coding-DNA position 558, one base deleted (G; older notation c.558delG).
Protein change: p.Cys187fs; shifts the reading frame from cysteine 187.
Molecular consequence: frameshift variant.
Genome position (GRCh38, 1-based): chr19:39,502,963, G deleted. VCF-style (leftmost placement, unchanged base first): chr19-39502962-CG-C. GRCh37 (hg19) VCF-style: chr19-39993602-CG-C.
Other names: c.558del, p.Cys187fs (NM_016941.4); short protein forms C187fs.
Identifiers: ClinVar variation 2864342 (VCV002864342.3), dbSNP rs2514643983, ClinGen allele CA2576781153.